The following is an entry in ClinVar:

ClinVar aggregate classification (germline): Uncertain significance. Review status: criteria provided, single submitter (1 of 4 stars). 2 submissions from 2 submitters: Uncertain significance (1). 1 of the submissions does not count toward it. Last evaluated 2026-02-02.

Conditions:
Dyskeratosis congenita, autosomal recessive 5 (DKCB5). Identifiers: MedGen C3554656, MONDO:0014076, OMIM 615190.

Allele frequency attached by ClinVar (database versions not stated): gnomAD 0.00008 and 0.00009; TOPMed 0.00010; gnomAD exomes 0.00012; 1000 Genomes Project 30x 0.00016; ExAC 0.00018; 1000 Genomes Project 0.00020.
gnomAD v4.1: 113 of 1,574,312 alleles (0.0072%); highest among the groups gnomAD compares: South Asian, 0.041%; no homozygotes.

Submissions (2):

Labcorp Genetics (formerly Invitae), Labcorp
Classification: Uncertain significance. Last evaluated: 2026-02-02. Review status: criteria provided, single submitter. Criteria: Invitae Variant Classification Sherloc (09022015). Collection method: clinical testing. Allele origin: germline.
Comment: This sequence change replaces arginine, which is basic and polar, with cysteine, which is neutral and slightly polar, at codon 258 of the TNFRSF6B protein (p.Arg258Cys). This variant is present in population databases (rs570762078, gnomAD 0.03%). This variant has not been reported in the literature in individuals affected with TNFRSF6B-related conditions. ClinVar contains an entry for this variant (Variation ID: 550121). An algorithm developed to predict the effect of missense changes on protein structure and function (PolyPhen-2) suggests that this variant is likely to be disruptive. In summary, the available evidence is currently insufficient to determine the role of this variant in disease. Therefore, it has been classified as a Variant of Uncertain Significance.

Counsyl
Classification: Uncertain significance for Dyskeratosis congenita, autosomal recessive 5. Last evaluated: 2017-01-05. Review status: no assertion criteria provided. Collection method: clinical testing. Allele origin: unknown. Not counted in ClinVar's aggregate classification.

NM_003823.4(TNFRSF6B):c.772C>T (p.Arg258Cys)

Genes: RTEL1 (regulator of telomere elongation helicase 1; plus strand), RTEL1-TNFRSF6B (RTEL1-TNFRSF6B readthrough (NMD candidate); plus strand), TNFRSF6B (TNF receptor superfamily member 6b; plus strand). Cytogenetic location: 20q13.33.
Variant type: single nucleotide variant.
Coding change: c.772C>T on transcript NM_003823.4 (MANE Select); coding-DNA position 772, C replaced by T.
Protein change: p.Arg258Cys; replaces arginine 258 with cysteine.
Molecular consequence: missense variant. On other transcripts: non-coding transcript variant (1).
Genome position (GRCh38, 1-based): chr20:63,698,432, C>T. VCF-style: chr20-63698432-C-T. GRCh37 (hg19) VCF-style: chr20-62329785-C-T.
Other names: short protein forms R258C.
Identifiers: ClinVar variation 550121 (VCV000550121.11), dbSNP rs570762078, ClinGen allele CA9966602.
Genomic context (GRCh38, chr20:63,698,432, plus strand): 5'-GCCCCGGAGGGCTGGGGTCCGACACCAAGGGCGGGCCGCGCGGCCTTGCAGCTGAAGCTG[C>T]GTCGGCGGCTCACGGAGCTCCTGGGGGCGCAGGACGGGGCGCTGCTGGTGCGGCTGCTGC-3'
Protein context (NP_003814.1, residues 248-268): AGRAALQLKL[Arg258Cys]RRLTELLGAQ